The following is an entry in ClinVar:

NM_198253.3(TERT):c.974A>C (p.Tyr325Ser)

Gene: TERT (telomerase reverse transcriptase; minus strand). Cytogenetic location: 5p15.33.
Variant type: single nucleotide variant.
Coding change: c.974A>C on transcript NM_198253.3 (MANE Select); coding-DNA position 974, A replaced by C.
Protein change: p.Tyr325Ser; replaces tyrosine 325 with serine.
Molecular consequence: missense variant. On other transcripts: non-coding transcript variant (2).
Genome position (GRCh38, 1-based): chr5:1,293,912, T>G on the plus strand (A>C on the coding strand, the complement: TERT is on the minus strand). VCF-style: chr5-1293912-T-G. GRCh37 (hg19) VCF-style: chr5-1294027-T-G.
Other names: c.974A>C, p.Tyr325Ser (NM_001193376.3); short protein forms Y325S.
Identifiers: ClinVar variation 3755558 (VCV003755558.2).

ClinVar aggregate classification (germline): Uncertain significance (1 of 4 stars; one submission).

Conditions:
Dyskeratosis congenita, autosomal dominant 2. Identifiers: MedGen C3151443, MONDO:0013521, OMIM 613989.
Idiopathic Pulmonary Fibrosis. Also called: Idiopathic fibrosing alveolitis, chronic form; idiopathic fibrosing alveolitis. Identifiers: Orphanet 2032, MedGen C1800706, MeSH D054990, MONDO:0800504.

Submission:

Labcorp Genetics (formerly Invitae), Labcorp
Classification: Uncertain significance for Dyskeratosis congenita, autosomal dominant 2; Idiopathic Pulmonary Fibrosis. Last evaluated: 2024-03-28. Review status: criteria provided, single submitter. Criteria: Invitae Variant Classification Sherloc (09022015). Collection method: clinical testing. Allele origin: germline.
Comment: This sequence change replaces tyrosine, which is neutral and polar, with serine, which is neutral and polar, at codon 325 of the TERT protein (p.Tyr325Ser). This variant is not present in population databases (gnomAD no frequency). This variant has not been reported in the literature in individuals affected with TERT-related conditions. Advanced modeling of protein sequence and biophysical properties (such as structural, functional, and spatial information, amino acid conservation, physicochemical variation, residue mobility, and thermodynamic stability) has been performed at Invitae for this missense variant, however the output from this modeling did not meet the statistical confidence thresholds required to predict the impact of this variant on TERT protein function. In summary, the available evidence is currently insufficient to determine the role of this variant in disease. Therefore, it has been classified as a Variant of Uncertain Significance.